The following is an entry in ClinVar:

ClinVar aggregate classification (germline): Uncertain significance. Review status: criteria provided, multiple submitters, no conflicts (2 of 4 stars). 2 submissions from 2 submitters: Uncertain significance (2). Last evaluated 2025-12-03.

Conditions:
ACVRL1-related disorder. Also called: ACVRL1-related condition; ACVRL1-related disorders.
Cardiovascular phenotype. Identifiers: MedGen CN230736.

Submissions (2):

PreventionGenetics, part of Exact Sciences
Classification: Uncertain significance for ACVRL1-related condition. Last evaluated: 2025-12-03. Review status: criteria provided, single submitter. Criteria: ACMG Guidelines, 2015. Collection method: clinical testing. Allele origin: germline.
Comment: The ACVRL1 c.611T>C variant is predicted to result in the amino acid substitution p.Leu204Ser. To our knowledge, this variant has not been reported in the literature or in a large population database (gnomAD), indicating it is rare. Of note another variant impacting the same amino acid (p.Leu204Trp) has been reported in a patient from a hereditary hemorrhagic telangiectasia (HHT) cohort (Supplemental Table 1 in McDonald et al. 2011. PubMed ID: 21158752). At this time, the clinical significance of this variant is uncertain due to the absence of conclusive functional and genetic evidence.

Ambry Genetics
Classification: Uncertain significance for Cardiovascular phenotype. Last evaluated: 2022-07-01. Review status: criteria provided, single submitter. Criteria: Ambry Variant Classification Scheme 2023. Collection method: clinical testing. Allele origin: germline.
Comment: The p.L204S variant (also known as c.611T>C), located in coding exon 4 of the ACVRL1 gene, results from a T to C substitution at nucleotide position 611. The leucine at codon 204 is replaced by serine, an amino acid with dissimilar properties. This amino acid position is highly conserved in available vertebrate species. In addition, this alteration is predicted to be deleterious by in silico analysis. Since supporting evidence is limited at this time, the clinical significance of this alteration remains unclear.

NM_000020.3(ACVRL1):c.611T>C (p.Leu204Ser)

Gene: ACVRL1 (activin A receptor like type 1; plus strand). Cytogenetic location: 12q13.13.
Variant type: single nucleotide variant.
Coding change: c.611T>C on transcript NM_000020.3 (MANE Select); coding-DNA position 611, T replaced by C.
Protein change: p.Leu204Ser; replaces leucine 204 with serine.
Molecular consequence: missense variant.
Genome position (GRCh38, 1-based): chr12:51,914,059, T>C. VCF-style: chr12-51914059-T-C. GRCh37 (hg19) VCF-style: chr12-52307843-T-C.
Other names: c.611T>C, p.Leu204Ser (NM_001077401.2, NM_001406487.1, NM_001406488.1 and 1 more transcripts); short protein forms L204S.
Identifiers: ClinVar variation 1751731 (VCV001751731.4), dbSNP rs2540161688, ClinGen allele CA384899876.
Genomic context (GRCh38, chr12:51,914,059, plus strand): 5'-CAGGGAGTGGCTCAGGGCTCCCCTTCCTGGTGCAGAGGACAGTGGCACGGCAGGTTGCCT[T>C]GGTGGAGTGTGTGGGTGAGCAGTGGGTGAGCCCGGTGGATGAGGACCAAGGGCTCTCATG-3'
Protein context (NP_000011.2, residues 194-214): VQRTVARQVA[Leu204Ser]VECVGKGRYG